The following is an entry in ClinVar:

NM_003480.4(MFAP5):c.139+160G>A

Gene: MFAP5 (microfibril associated protein 5; minus strand). Cytogenetic location: 12p13.31.
Variant type: single nucleotide variant.
Coding change: c.139+160G>A on transcript NM_003480.4 (MANE Select); 160 bases into the intron after coding-DNA position 139, G replaced by A.
Molecular consequence: intron variant.
Genome position (GRCh38, 1-based): chr12:8,655,626, C>T on the plus strand (G>A on the coding strand, the complement: MFAP5 is on the minus strand). VCF-style: chr12-8655626-C-T. GRCh37 (hg19) VCF-style: chr12-8808222-C-T.
Other names: c.103+160G>A (NM_001297710.2); c.139+160G>A (NM_001297711.2, NM_001297712.2, NM_001297709.2).
Identifiers: ClinVar variation 674904 (VCV000674904.2), dbSNP rs79153086, ClinGen allele CA232306466.

ClinVar aggregate classification (germline): Benign. Review status: criteria provided, multiple submitters, no conflicts (2 of 4 stars). 2 submissions from 2 submitters: Benign (2). Last evaluated 2018-06-14.

Allele frequency attached by ClinVar (database versions not stated): gnomAD 0.05022 and 0.05254; TOPMed 0.05895; 1000 Genomes Project 30x 0.06277; 1000 Genomes Project 0.06350.
gnomAD v4.1: 8,099 of 152,170 alleles (5.3%); highest among the groups gnomAD compares: Admixed American, 12%; 328 homozygotes.

Submissions (2):

GeneDx
Classification: Benign. Last evaluated: 2018-06-14. Review status: criteria provided, single submitter. Criteria: GeneDx Variant Classification (06012015). Collection method: clinical testing. Allele origin: germline. Affected: yes.
Comment: This variant is considered likely benign or benign based on one or more of the following criteria: it is a conservative change, it occurs at a poorly conserved position in the protein, it is predicted to be benign by multiple in silico algorithms, and/or has population frequency not consistent with disease.

Breakthrough Genomics
Classification: Benign. Review status: criteria provided, single submitter. Criteria: ACMG Guidelines, 2015. Collection method: not provided. Allele origin: germline. Inheritance: Autosomal dominant inheritance. Affected: yes.